The following is an entry in ClinVar:

NM_001458.5(FLNC):c.3781G>A (p.Glu1261Lys)

Gene: FLNC (filamin C; plus strand). Cytogenetic location: 7q32.1.
Variant type: single nucleotide variant.
Coding change: c.3781G>A on transcript NM_001458.5 (MANE Select); coding-DNA position 3781, G replaced by A.
Protein change: p.Glu1261Lys; replaces glutamic acid 1261 with lysine.
Molecular consequence: missense variant.
Genome position (GRCh38, 1-based): chr7:128,845,246, G>A. VCF-style: chr7-128845246-G-A. GRCh37 (hg19) VCF-style: chr7-128485300-G-A.
Other names: c.3781G>A, p.Glu1261Lys (NM_001127487.2); short protein forms E1261K.
Identifiers: ClinVar variation 962170 (VCV000962170.10), dbSNP rs747033771, ClinGen allele CA4475122.
Genomic context (GRCh38, chr7:128,845,246, plus strand): 5'-CGTGTCCATGTGCAGCCTGCGGTCGATACCAGTGGCGTCAAGGTCTCAGGGCCTGGTGTT[G>A]AGCCACACGGTGAGTGGACAGGAGGAGCCAAGAAAGGTCAAGTGGCAGGTGCAGGAGCTG-3'
Protein context (NP_001449.3, residues 1251-1271): SGVKVSGPGV[Glu1261Lys]PHGVLREVTT

ClinVar aggregate classification (germline): Uncertain significance (1 of 4 stars; one submission).

Conditions:
Myofibrillar myopathy 5. Also called: Filaminopathy (type); FILAMINOPATHY, AUTOSOMAL DOMINANT. Identifiers: Orphanet 171445, MedGen C1836050, MONDO:0012289, OMIM 609524.
Distal myopathy with posterior leg and anterior hand involvement. Also called: WILLIAMS DISTAL MYOPATHY. Identifiers: Orphanet 63273, MedGen C3279722, MONDO:0013550, OMIM 614065.
Hypertrophic cardiomyopathy 26. Also called: Cardiomyopathy, familial hypertrophic, 26. Identifiers: Orphanet 75249, MedGen C4310749, MONDO:0014883, OMIM 617047.

Allele frequency attached by ClinVar (database versions not stated): ExAC 0.00001; TOPMed 0.00001; gnomAD exomes 0.00002.
gnomAD v4.1: 5 of 1,613,200 alleles (0.00031%); highest among the groups gnomAD compares: Admixed American, 0.0067%; no homozygotes.

Submission:

Labcorp Genetics (formerly Invitae), Labcorp
Classification: Uncertain significance for Distal myopathy with posterior leg and anterior hand involvement; Myofibrillar myopathy 5; Hypertrophic cardiomyopathy 26. Last evaluated: 2023-12-21. Review status: criteria provided, single submitter. Criteria: Invitae Variant Classification Sherloc (09022015). Collection method: clinical testing. Allele origin: germline.
Comment: This sequence change replaces glutamic acid, which is acidic and polar, with lysine, which is basic and polar, at codon 1261 of the FLNC protein (p.Glu1261Lys). This variant is present in population databases (rs747033771, gnomAD 0.009%). This variant has not been reported in the literature in individuals affected with FLNC-related conditions. ClinVar contains an entry for this variant (Variation ID: 962170). Advanced modeling of protein sequence and biophysical properties (such as structural, functional, and spatial information, amino acid conservation, physicochemical variation, residue mobility, and thermodynamic stability) has been performed at Invitae for this missense variant, however the output from this modeling did not meet the statistical confidence thresholds required to predict the impact of this variant on FLNC protein function. In summary, the available evidence is currently insufficient to determine the role of this variant in disease. Therefore, it has been classified as a Variant of Uncertain Significance.